The following is an entry in ClinVar:

NM_005912.3(MC4R):c.690del (p.Gly231fs)

Gene: MC4R (melanocortin 4 receptor; minus strand). Cytogenetic location: 18q21.32.
Variant type: Deletion.
Coding change: c.690del on transcript NM_005912.3 (MANE Select); coding-DNA position 690, one base deleted (C; older notation c.690delC).
Protein change: p.Gly231fs; shifts the reading frame from glycine 231.
Molecular consequence: frameshift variant.
Genome position (GRCh38, 1-based): chr18:60,371,660, G deleted on the plus strand (C on the coding strand, the reverse complement: MC4R is on the minus strand); the first of 4 consecutive G bases (chr18:60,371,660-60,371,663); deleting any one gives the same sequence. VCF-style (leftmost placement, unchanged base first): chr18-60371659-CG-C. GRCh37 (hg19) VCF-style: chr18-58038892-CG-C.
Other names: short protein forms G231fs.
Identifiers: ClinVar variation 452764 (VCV000452764.8), dbSNP rs758387065, ClinGen allele CA8980865.
Genomic context (GRCh38, chr18:60,371,659, plus strand): 5'-TCAGGATGGTCAAGGTAATCGCTCCCTTCATATTGGCACCTTGGCGGATGGCACCAGTGC[CG>C]GGGAGGACAGCAATCCTCTTAATGTGAAGCCTGGCCATCAGGAACATGTGGACATAGAGA-3'

ClinVar aggregate classification (germline): Conflicting classifications of pathogenicity. Review status: criteria provided, conflicting classifications (1 of 4 stars). 3 submissions from 3 submitters: Pathogenic (2); Uncertain significance (1). Last evaluated 2026-06-05.

Conditions:
MC4R-related disorder. Also called: MC4R-related condition.

Submissions (3):

PreventionGenetics, part of Exact Sciences
Classification: Pathogenic for MC4R-related condition. Last evaluated: 2026-06-05. Review status: criteria provided, single submitter. Criteria: ACMG Guidelines, 2015. Collection method: clinical testing. Allele origin: germline.
Comment: The MC4R c.690delC variant is predicted to result in a frameshift and premature protein termination (p.Gly231Alafs*11). To our knowledge, this variant has not been reported in the literature. This variant is reported in 0.012% of alleles in individuals of Latino descent in gnomAD. Frameshift variants in MC4R are expected to be pathogenic. This variant is interpreted as pathogenic.

Labcorp Genetics (formerly Invitae), Labcorp
Classification: Pathogenic. Last evaluated: 2025-02-06. Review status: criteria provided, single submitter. Criteria: Invitae Variant Classification Sherloc (09022015). Collection method: clinical testing. Allele origin: germline.
Comment: This sequence change creates a premature translational stop signal (p.Gly231Alafs*11) in the MC4R gene. While this is not anticipated to result in nonsense mediated decay, it is expected to disrupt the last 102 amino acid(s) of the MC4R protein. This variant is present in population databases (rs758387065, gnomAD 0.01%). This variant has not been reported in the literature in individuals affected with MC4R-related conditions. ClinVar contains an entry for this variant (Variation ID: 452764). This variant disrupts a region of the MC4R protein in which other variant(s) (p.Ile301Thr) have been determined to be pathogenic (PMID: 10903341, 12690102, 16507637, 16752916, 18559663). This suggests that this is a clinically significant region of the protein, and that variants that disrupt it are likely to be disease-causing. For these reasons, this variant has been classified as Pathogenic.

GeneDx
Classification: Uncertain significance. Last evaluated: 2017-10-10. Review status: criteria provided, single submitter. Criteria: GeneDx Variant Classification (06012015). Collection method: clinical testing. Allele origin: germline. Affected: yes.
Comment: The c.690delC variant in the MC4R gene has not been reported previously as a pathogenic variant nor as a benign variant, to our knowledge. The c.690delC variant causes a frameshift starting with codon Glycine 231, changes this amino acid to an Alanine residue, and creates a premature Stop codon at position 11 of the new reading frame, denoted p.Gly231AlafsX11. This variant is predicted to cause loss of normal protein function through protein truncation. The c.690delC variant is observed in 4/33578 (0.012%) alleles from individuals of Latino background, in large population cohorts (Lek et al., 2016). We interpret c.690delC as a variant of uncertain significance.

Literature cited by the submitters: PubMed 10903341 (cited by Labcorp Genetics (formerly Invitae), Labcorp); PubMed 12690102 (cited by Labcorp Genetics (formerly Invitae), Labcorp); PubMed 16507637 (cited by Labcorp Genetics (formerly Invitae), Labcorp); PubMed 16752916 (cited by Labcorp Genetics (formerly Invitae), Labcorp); PubMed 18559663 (cited by Labcorp Genetics (formerly Invitae), Labcorp).